The following is an entry in ClinVar:

ClinVar aggregate classification (germline): Uncertain significance (1 of 4 stars; one submission).

Allele frequency attached by ClinVar (database versions not stated): gnomAD exomes 0.00001; ExAC 0.00003.
gnomAD v4.1: 7 of 1,611,178 alleles (0.00043%); highest among the groups gnomAD compares: Non-Finnish European, 0.00042%; no homozygotes.

Submission:

Labcorp Genetics (formerly Invitae), Labcorp
Classification: Uncertain significance. Last evaluated: 2023-10-13. Review status: criteria provided, single submitter. Criteria: Invitae Variant Classification Sherloc (09022015). Collection method: clinical testing. Allele origin: germline.
Comment: This sequence change replaces isoleucine, which is neutral and non-polar, with phenylalanine, which is neutral and non-polar, at codon 260 of the TSFM protein (p.Ile260Phe). This variant is present in population databases (rs746571961, gnomAD 0.003%). This variant has not been reported in the literature in individuals affected with TSFM-related conditions. ClinVar contains an entry for this variant (Variation ID: 1357096). Advanced modeling of protein sequence and biophysical properties (such as structural, functional, and spatial information, amino acid conservation, physicochemical variation, residue mobility, and thermodynamic stability) performed at Invitae indicates that this missense variant is not expected to disrupt TSFM protein function. In summary, the available evidence is currently insufficient to determine the role of this variant in disease. Therefore, it has been classified as a Variant of Uncertain Significance.

NM_005726.6(TSFM):c.715A>T (p.Ile239Phe)

Gene: TSFM (Ts translation elongation factor, mitochondrial; plus strand). Cytogenetic location: 12q14.1.
Variant type: single nucleotide variant.
Coding change: c.715A>T on transcript NM_005726.6 (MANE Select); coding-DNA position 715, A replaced by T.
Protein change: p.Ile239Phe; replaces isoleucine 239 with phenylalanine.
Molecular consequence: missense variant. On other transcripts: 3 prime UTR variant (1), intron variant (1).
Genome position (GRCh38, 1-based): chr12:57,796,320, A>T. VCF-style: chr12-57796320-A-T. GRCh37 (hg19) VCF-style: chr12-58190103-A-T.
Other names: c.*123A>T (NM_001172695.2); c.778A>T, p.Ile260Phe (NM_001172696.2); c.571+3247A>T (NM_001172697.2); short protein forms I239F, I260F.
Identifiers: ClinVar variation 1357096 (VCV001357096.6), dbSNP rs746571961, ClinGen allele CA6659433.